The following is an entry in ClinVar:

ClinVar aggregate classification (germline): Uncertain significance. Review status: criteria provided, multiple submitters, no conflicts (2 of 4 stars). 2 submissions from 2 submitters: Uncertain significance (2). Last evaluated 2024-02-21.

Conditions:
Orofaciodigital syndrome type 6 (OFD6). Also called: OROFACIODIGITAL SYNDROME VI; OFDS VI; POLYDACTYLY, CLEFT LIP/PALATE OR LINGUAL LUMP, AND PSYCHOMOTOR RETARDATION; VARADI SYNDROME; VARADI-PAPP SYNDROME; Oral-facial-digital syndrome type 6. Identifiers: Orphanet 2754, MedGen C2745997, MONDO:0010176, OMIM 277170.
Joubert syndrome 17 (JBTS17). Identifiers: Orphanet 475, MedGen C3553264, MONDO:0013824, OMIM 614615.

gnomAD v4.1: 2 of 1,613,556 alleles (0.00012%); highest among the groups gnomAD compares: African/African-American, 0.0027%; no homozygotes.

Submissions (2):

Fulgent Genetics
Classification: Uncertain significance for Orofaciodigital syndrome type 6; Joubert syndrome 17. Last evaluated: 2024-02-21. Review status: criteria provided, single submitter. Criteria: ACMG Guidelines, 2015. Collection method: clinical testing. Allele origin: germline.

Labcorp Genetics (formerly Invitae), Labcorp
Classification: Uncertain significance. Last evaluated: 2022-07-10. Review status: criteria provided, single submitter. Criteria: Invitae Variant Classification Sherloc (09022015). Collection method: clinical testing. Allele origin: germline.
Comment: In summary, the available evidence is currently insufficient to determine the role of this variant in disease. Therefore, it has been classified as a Variant of Uncertain Significance. Advanced modeling of protein sequence and biophysical properties (such as structural, functional, and spatial information, amino acid conservation, physicochemical variation, residue mobility, and thermodynamic stability) performed at Invitae indicates that this missense variant is expected to disrupt CPLANE1 protein function. This variant has not been reported in the literature in individuals affected with CPLANE1-related conditions. This variant is present in population databases (no rsID available, gnomAD 0.02%). This sequence change replaces alanine, which is neutral and non-polar, with threonine, which is neutral and polar, at codon 1328 of the CPLANE1 protein (p.Ala1328Thr).

NM_001384732.1(CPLANE1):c.3982G>A (p.Ala1328Thr)

Gene: CPLANE1 (ciliogenesis and planar polarity effector complex subunit 1; minus strand). Cytogenetic location: 5p13.2.
Variant type: single nucleotide variant.
Coding change: c.3982G>A on transcript NM_001384732.1 (MANE Select); coding-DNA position 3982, G replaced by A.
Protein change: p.Ala1328Thr; replaces alanine 1328 with threonine.
Molecular consequence: missense variant.
Genome position (GRCh38, 1-based): chr5:37,187,512, C>T on the plus strand (G>A on the coding strand, the complement: CPLANE1 is on the minus strand). VCF-style: chr5-37187512-C-T. GRCh37 (hg19) VCF-style: chr5-37187614-C-T.
Other names: c.3982G>A (NM_023073.3); c.3982G>A, p.Ala1328Thr (NM_023073.4); short protein forms A1328T.
Identifiers: ClinVar variation 1968680 (VCV001968680.4), dbSNP rs768480018, ClinGen allele CA359506162.